The following is an entry in ClinVar:

NM_001385012.1(NBEA):c.8892G>T (p.Gln2964His)

Gene: NBEA (neurobeachin; plus strand). Cytogenetic location: 13q13.3.
Variant type: single nucleotide variant.
Coding change: c.8892G>T on transcript NM_001385012.1 (MANE Select); coding-DNA position 8892, G replaced by T.
Protein change: p.Gln2964His; replaces glutamine 2964 with histidine.
Molecular consequence: missense variant.
Genome position (GRCh38, 1-based): chr13:35,670,979, G>T. VCF-style: chr13-35670979-G-T. GRCh37 (hg19) VCF-style: chr13-36245116-G-T.
Other names: c.2208G>T, p.Gln736His (NM_001204197.3); c.8883G>T, p.Gln2961His (NM_001379245.1); c.8829G>T, p.Gln2943His (NM_015678.5); short protein forms Q2943H, Q2961H, Q2964H, Q736H.
Identifiers: ClinVar variation 2574249 (VCV002574249.1), dbSNP rs2085593376, ClinGen allele CA387843850.
Genomic context (GRCh38, chr13:35,670,979, plus strand): 5'-GGCTTCTGGTAGCATTGTAGCTTTTAATATAGATTTTAATCGGTGGCATTATGAGCATCA[G>T]AACAGATACTGAAGATAAAGGAAGAACCAAAAGCCAAGTTAAAGCTGAGAGCACAAGTGC-3'
Protein context (NP_001371941.1, residues 2954-2967): IDFNRWHYEH[Gln2964His]NRY

ClinVar aggregate classification (germline): Uncertain significance (1 of 4 stars; one submission).

Allele frequency attached by ClinVar (database versions not stated): TOPMed below 0.00001.

Submission:

GeneDx
Classification: Uncertain significance. Last evaluated: 2023-01-31. Review status: criteria provided, single submitter. Criteria: GeneDx Variant Classification Process June 2021. Collection method: clinical testing. Allele origin: germline. Affected: yes.
Comment: Not observed at significant frequency in large population cohorts (gnomAD); In silico analysis supports that this missense variant has a deleterious effect on protein structure/function; Has not been previously published as pathogenic or benign to our knowledge